The following is an entry in ClinVar:

NM_080680.3(COL11A2):c.444-2A>G

Gene: COL11A2 (collagen type XI alpha 2 chain; minus strand). Cytogenetic location: 6p21.32.
Variant type: single nucleotide variant.
Coding change: c.444-2A>G on transcript NM_080680.3 (MANE Select); the canonical splice acceptor site of the intron before coding-DNA position 444, A replaced by G.
Molecular consequence: splice acceptor variant.
Genome position (GRCh38, 1-based): chr6:33,188,526, T>C on the plus strand (A>G on the coding strand, the complement: COL11A2 is on the minus strand). VCF-style: chr6-33188526-T-C. GRCh37 (hg19) VCF-style: chr6-33156303-T-C.
Other names: c.-403-2A>G (NM_001424111.1, NM_001424110.1, NM_001424109.1); c.444-2A>G (NM_080679.3, NM_080681.3, NM_001424108.1 and 1 more transcripts).
Identifiers: ClinVar variation 4879502 (VCV004879502.1).

ClinVar aggregate classification (germline): Likely pathogenic (1 of 4 stars; one submission).

Conditions:
Autosomal recessive nonsyndromic hearing loss 53. Identifiers: Orphanet 90636, MedGen C1864746, MONDO:0012333, OMIM 609706.
Fibrochondrogenesis 2 (FBCG2). Identifiers: Orphanet 2021, MedGen C3281128, MONDO:0013795, OMIM 614524.
Autosomal dominant nonsyndromic hearing loss 13. Identifiers: Orphanet 90635, MedGen C1866095, MONDO:0011159, OMIM 601868.
Otospondylomegaepiphyseal dysplasia, autosomal recessive (OSMEDB). Also called: CHONDRODYSTROPHY WITH SENSORINEURAL DEAFNESS; Insley-Astley syndrome. Identifiers: Orphanet 1427, MedGen CN034493, MONDO:0044206, OMIM 215150.
Otospondylomegaepiphyseal dysplasia, autosomal dominant (OSMEDA). Also called: Pierre Robin syndrome with fetal chondrodysplasia; Stickler syndrome, type 3; COL11A2-Related Stickler Syndrome. Identifiers: Orphanet 166100, Orphanet 3450, MedGen C1848488, MONDO:0008490, OMIM 184840.

gnomAD v4.1: 1 of 1,612,916 alleles (0.000062%); highest among the groups gnomAD compares: Non-Finnish European, 0.000085%; no homozygotes.

Submission:

Clinical Genomics Laboratory, Washington University in St. Louis
Classification: Likely pathogenic for Fibrochondrogenesis 2; Otospondylomegaepiphyseal dysplasia, autosomal dominant; Otospondylomegaepiphyseal dysplasia, autosomal recessive; Autosomal dominant nonsyndromic hearing loss 13; Autosomal recessive nonsyndromic hearing loss 53. Last evaluated: 2025-10-20. Review status: criteria provided, single submitter. Criteria: ACMG Guidelines, 2015. Collection method: clinical testing. Allele origin: germline. Affected: yes.
Comment: The COL11A2 c.444-2A>G variant, to our knowledge, has not been reported in the medical literature. This variant is only observed in 1/1,612,916 alleles in the general population (gnomAD v.4.1.0), indicating it is not a common variant. This variant occurs within the canonical splice acceptor site, which is predicted to cause skipping of the exon, leading to an out of frame transcript. Based on available information and the ACMG/AMP guidelines for variant interpretation (Richards S et al., PMID: 25741868), this variant is classified as likely pathogenic.